The following is an entry in ClinVar:

NM_004444.5(EPHB4):c.2213A>G (p.His738Arg)

Gene: EPHB4 (EPH receptor B4; minus strand). Cytogenetic location: 7q22.1.
Variant type: single nucleotide variant.
Coding change: c.2213A>G on transcript NM_004444.5 (MANE Select); coding-DNA position 2213, A replaced by G.
Protein change: p.His738Arg; replaces histidine 738 with arginine.
Molecular consequence: missense variant.
Genome position (GRCh38, 1-based): chr7:100,807,486, T>C on the plus strand (A>G on the coding strand, the complement: EPHB4 is on the minus strand). VCF-style: chr7-100807486-T-C. GRCh37 (hg19) VCF-style: chr7-100405108-T-C.
Other names: short protein forms H738R.
Identifiers: ClinVar variation 2672234 (VCV002672234.1), dbSNP rs2485003654, ClinGen allele CA368568959.

ClinVar aggregate classification (germline): Uncertain significance (1 of 4 stars; one submission).

Conditions:
Lymphatic malformation 7 (LMPHM7). Also called: Hydrops fetalis, nonimmune, and/or atrial septal defect, susceptibility to. Identifiers: MedGen C4310629, MONDO:0015009, OMIM 617300.

Submission:

Clinical Genomics Laboratory, Washington University in St. Louis
Classification: Uncertain significance for Lymphatic malformation 7. Last evaluated: 2023-08-26. Review status: criteria provided, single submitter. Criteria: ACMG Guidelines, 2015. Collection method: clinical testing. Allele origin: germline.
Comment: The EPHB4 c.2213A>G (p.His738Arg) variant was identified at a near heterozygous allelic fraction. The EPHB4 c.2213A>G (p.His738Arg) variant, to our knowledge, has not been reported in the medical literature. This variant is absent from the general population (gnomAD v.2.1.1), indicating it is not a common variant. Computational predictors indicate that the variant is damaging, however, functional evidence that correlates with impact to EPHB4 function is lacking. Due to limited information and based on ACMG/AMP guidelines for variant interpretation (Richards S et al., PMID: 25741868), the clinical significance of this variant is uncertain at this time.